The following is an entry in ClinVar:

NM_004706.4(ARHGEF1):c.1298G>T (p.Arg433Leu)

Gene: ARHGEF1 (Rho guanine nucleotide exchange factor 1; plus strand). Cytogenetic location: 19q13.2.
Variant type: single nucleotide variant.
Coding change: c.1298G>T on transcript NM_004706.4 (MANE Select); coding-DNA position 1298, G replaced by T.
Protein change: p.Arg433Leu; replaces arginine 433 with leucine.
Molecular consequence: missense variant.
Genome position (GRCh38, 1-based): chr19:41,901,917, G>T. VCF-style: chr19-41901917-G-T. GRCh37 (hg19) VCF-style: chr19-42406067-G-T.
Other names: c.1199G>T, p.Arg400Leu (NM_198977.2); c.1343G>T, p.Arg448Leu (NM_199002.2); short protein forms R433L, R448L, R400L.
Identifiers: ClinVar variation 1476148 (VCV001476148.8), dbSNP rs1555849078, ClinGen allele CA406059935.

ClinVar aggregate classification (germline): Uncertain significance (1 of 4 stars; one submission).

Submission:

Labcorp Genetics (formerly Invitae), Labcorp
Classification: Uncertain significance. Last evaluated: 2021-06-24. Review status: criteria provided, single submitter. Criteria: Invitae Variant Classification Sherloc (09022015). Collection method: clinical testing. Allele origin: germline.
Comment: This variant is not present in population databases (ExAC no frequency). This sequence change replaces arginine with leucine at codon 448 of the ARHGEF1 protein (p.Arg448Leu). The arginine residue is highly conserved and there is a moderate physicochemical difference between arginine and leucine. This variant has not been reported in the literature in individuals with ARHGEF1-related conditions. Algorithms developed to predict the effect of missense changes on protein structure and function (SIFT, PolyPhen-2, Align-GVGD) all suggest that this variant is likely to be disruptive, but these predictions have not been confirmed by published functional studies and their clinical significance is uncertain. In summary, the available evidence is currently insufficient to determine the role of this variant in disease. Therefore, it has been classified as a Variant of Uncertain Significance.